The following is an entry in ClinVar:

NM_022829.6(SLC13A3):c.623G>A (p.Gly208Glu)

Gene: SLC13A3 (solute carrier family 13 member 3; minus strand). Cytogenetic location: 20q13.12.
Variant type: single nucleotide variant.
Coding change: c.623G>A on transcript NM_022829.6 (MANE Select); coding-DNA position 623, G replaced by A.
Protein change: p.Gly208Glu; replaces glycine 208 with glutamic acid.
Molecular consequence: missense variant.
Genome position (GRCh38, 1-based): chr20:46,596,328, C>T on the plus strand (G>A on the coding strand, the complement: SLC13A3 is on the minus strand). VCF-style: chr20-46596328-C-T. GRCh37 (hg19) VCF-style: chr20-45224967-C-T.
Other names: c.482G>A, p.Gly161Glu (NM_001011554.3, NM_001193340.2); c.556G>A, p.Gly186Arg (NM_001193339.2); c.329G>A, p.Gly110Glu (NM_001193342.2); short protein forms G110E, G161E, G186R, G208E.
Identifiers: ClinVar variation 1421684 (VCV001421684.5), dbSNP rs147255591, ClinGen allele CA9891556.

ClinVar aggregate classification (germline): Uncertain significance (1 of 4 stars; one submission).

Allele frequency attached by ClinVar (database versions not stated): ExAC 0.00012; gnomAD exomes 0.00015 and 0.00043; gnomAD 0.00022 and 0.00024; TOPMed 0.00022; ESP Exome Variant Server 0.00038.
gnomAD v4.1: 644 of 1,613,906 alleles (0.04%); highest among the groups gnomAD compares: Non-Finnish European, 0.053%; no homozygotes.

Submission:

Labcorp Genetics (formerly Invitae), Labcorp
Classification: Uncertain significance. Last evaluated: 2024-11-11. Review status: criteria provided, single submitter. Criteria: Invitae Variant Classification Sherloc (09022015). Collection method: clinical testing. Allele origin: germline.
Comment: This sequence change replaces glycine, which is neutral and non-polar, with glutamic acid, which is acidic and polar, at codon 208 of the SLC13A3 protein (p.Gly208Glu). This variant is present in population databases (rs147255591, gnomAD 0.03%). This variant has not been reported in the literature in individuals affected with SLC13A3-related conditions. ClinVar contains an entry for this variant (Variation ID: 1421684). An algorithm developed to predict the effect of missense changes on protein structure and function outputs the following: PolyPhen-2: "Benign". The glutamic acid amino acid residue is found in multiple mammalian species, which suggests that this missense change does not adversely affect protein function. In summary, the available evidence is currently insufficient to determine the role of this variant in disease. Therefore, it has been classified as a Variant of Uncertain Significance.